The following is an entry in ClinVar:

ClinVar aggregate classification (germline): Pathogenic/Likely pathogenic. Review status: criteria provided, multiple submitters, no conflicts (2 of 4 stars). 3 submissions from 3 submitters: Pathogenic (2); Likely pathogenic (1). Last evaluated 2025-04-16.

Conditions:
TAB2-related disorder.

Submissions (3):

GeneDx
Classification: Pathogenic. Last evaluated: 2025-04-16. Review status: criteria provided, single submitter. Criteria: GeneDx Variant Classification Process June 2021. Collection method: clinical testing. Allele origin: germline. Affected: yes.
Comment: Nonsense variant predicted to result in protein truncation or nonsense mediated decay in a gene for which loss of function is a known mechanism of disease; Not observed at significant frequency in large population cohorts (gnomAD); This variant is associated with the following publications: (PMID: 35971781, 34741306, 33057194, 35982159, 33131162)

Dasa
Classification: Pathogenic. Last evaluated: 2025-03-05. Review status: criteria provided, single submitter. Criteria: DASA Assertion Criteria. Collection method: clinical testing. Allele origin: germline.
Comment: NM_001292034.3(TAB2):c.1636C>T (p.Arg546*) introduces a premature termination codon predicted to undergo nonsense-mediated decay. Loss-of-function is an established mechanism of disease for this gene. The variant has been reported in individuals with TAB2-related multisystem disorder, including de novo occurrence (PMID: 33131162, 35971781). Based on the available data, this variant is classified as pathogenic.

Illumina Laboratory Services, Illumina
Classification: Likely pathogenic for TAB2-related disorder. Last evaluated: 2020-12-18. Review status: criteria provided, single submitter. Criteria: ICSLVariantClassificationCriteria RUGD 01 April 2020. Collection method: clinical testing. Allele origin: unknown.
Comment: The TAB2 c.1636C>T (p.Arg546Ter) variant is a stop-gained variant that is predicted to result in a premature termination of the protein. The mother, who had mitral valve prolapse and atrial septal defect (ASD), and a sister with ASD, also carried the variant (Liu et al. 2020). This variant is not found in the Genome Aggregation Database in a region of good sequencing coverage, so the variant is presumed to be rare. Based on the evidence and application of ACMG criteria, the p.Arg546Ter variant is classified as likely pathogenic for TAB2-related disorder.

Literature cited by the submitters: PubMed 33131162 (cited by Dasa and Illumina Laboratory Services, Illumina); PubMed 35971781 (cited by Dasa); PubMed 28386937 (cited by Dasa); PubMed 34906501 (cited by Dasa); PubMed 34741306 (cited by Dasa).

NM_001292034.3(TAB2):c.1636C>T (p.Arg546Ter)

Gene: TAB2 (TGF-beta activated kinase 1 (MAP3K7) binding protein 2; plus strand). Cytogenetic location: 6q25.1.
Variant type: single nucleotide variant.
Coding change: c.1636C>T on transcript NM_001292034.3 (MANE Select); coding-DNA position 1636, C replaced by T.
Protein change: p.Arg546Ter; replaces arginine 546 with a stop codon.
Molecular consequence: nonsense.
Genome position (GRCh38, 1-based): chr6:149,397,636, C>T. VCF-style: chr6-149397636-C-T. GRCh37 (hg19) VCF-style: chr6-149718772-C-T.
Other names: c.1540C>T, p.Arg514Ter (NM_001292035.3); c.1636C>T, p.Arg546Ter (NM_001369506.1, NM_015093.6); c.1636C>T (NM_015093.4); short protein forms R514*, R546*.
Identifiers: ClinVar variation 1199210 (VCV001199210.6), dbSNP rs1782216591, ClinGen allele CA366003658.